The following is an entry in ClinVar:

ClinVar aggregate classification (germline): Uncertain significance (1 of 4 stars; one submission).

Submission:

Ambry Genetics
Classification: Uncertain significance. Last evaluated: 2024-11-19. Review status: criteria provided, single submitter. Criteria: Ambry Variant Classification Scheme 2023. Collection method: clinical testing. Allele origin: germline.
Comment: The p.E1408G variant (also known as c.4223A>G), located in coding exon 4 of the ALPK2 gene, results from an A to G substitution at nucleotide position 4223. The glutamic acid at codon 1408 is replaced by glycine, an amino acid with similar properties. This amino acid position is conserved. In addition, this alteration is predicted to be tolerated by in silico analysis. Based on the available evidence, the clinical significance of this variant remains unclear.

NM_052947.4(ALPK2):c.4223A>G (p.Glu1408Gly)

Genes: ALPK2 (alpha kinase 2; minus strand), LOC126862764 (BRD4-independent group 4 enhancer GRCh37_chr18:56202574-56203773; plus strand). Cytogenetic location: 18q21.31.
Variant type: single nucleotide variant.
Coding change: c.4223A>G on transcript NM_052947.4 (MANE Select); coding-DNA position 4223, A replaced by G.
Protein change: p.Glu1408Gly; replaces glutamic acid 1408 with glycine.
Molecular consequence: missense variant.
Genome position (GRCh38, 1-based): chr18:58,535,964, T>C on the plus strand (A>G on the coding strand, the complement: ALPK2 is on the minus strand). VCF-style: chr18-58535964-T-C. GRCh37 (hg19) VCF-style: chr18-56203196-T-C.
Other names: short protein forms E1408G.
Identifiers: ClinVar variation 3532186 (VCV003532186.1).